The following is an entry in ClinVar:

NM_005027.4(PIK3R2):c.1291-11C>G

Gene: PIK3R2 (phosphoinositide-3-kinase regulatory subunit 2; plus strand). Cytogenetic location: 19p13.11.
Variant type: single nucleotide variant.
Coding change: c.1291-11C>G on transcript NM_005027.4 (MANE Select); 11 bases into the intron before coding-DNA position 1291, C replaced by G.
Molecular consequence: intron variant.
Genome position (GRCh38, 1-based): chr19:18,163,252, C>G. VCF-style: chr19-18163252-C-G. GRCh37 (hg19) VCF-style: chr19-18274062-C-G.
Identifiers: ClinVar variation 1305109 (VCV001305109.2), dbSNP rs565676027, ClinGen allele CA632137166.

ClinVar aggregate classification (germline): Uncertain significance (1 of 4 stars; one submission).

gnomAD v4.1: 1 of 1,613,988 alleles (0.000062%); highest among the groups gnomAD compares: African/African-American, 0.0013%; no homozygotes.

Submission:

GeneDx
Classification: Uncertain significance. Last evaluated: 2019-04-25. Review status: criteria provided, single submitter. Criteria: GeneDx Variant Classification Process June 2021. Collection method: clinical testing. Allele origin: germline. Affected: yes.
Comment: Has not been previously published as pathogenic or benign to our knowledge; In silico analysis, which includes splice predictors and evolutionary conservation, suggests this variant may impact gene splicing. In the absence of RNA/functional studies, the actual effect of this sequence change is unknown.